The following is an entry in ClinVar:

ClinVar aggregate classification (germline): Uncertain significance. Review status: criteria provided, multiple submitters, no conflicts (2 of 4 stars). 7 submissions from 7 submitters: Uncertain significance (7). Last evaluated 2026-07-06.

Conditions:
RYR1-related disorder. Also called: RYR1-related disorders; RYR1-related condition. Identifiers: MedGen CN239331.
Inborn genetic diseases. Identifiers: MedGen C0950123, MeSH D030342.
Malignant hyperthermia, susceptibility to, 1 (MHS1). Also called: Malignant hyperthermia suceptibility 1; RYR1-Related Malignant Hyperthermia Susceptibility; Anesthesia related hyperthermia; Malignant hyperpyrexia; Fulminating hyperpyrexia; Pharmacogenic myopathy. Identifiers: Orphanet 423, MedGen C2930980, MONDO:0007783, OMIM 145600.

Allele frequency attached by ClinVar (database versions not stated): gnomAD exomes 0.00001 and 0.00002; gnomAD 0.00003 and 0.00004; TOPMed 0.00003.
gnomAD v4.1: 26 of 1,576,356 alleles (0.0016%); highest among the groups gnomAD compares: South Asian, 0.0035%; no homozygotes.

Submissions (7):

Ambry Genetics
Classification: Uncertain significance for Inborn genetic diseases. Last evaluated: 2026-07-06. Review status: criteria provided, single submitter. Criteria: Ambry Variant Classification Scheme 2023. Collection method: clinical testing. Allele origin: germline.
Comment: The p.R1618C variant (also known as c.4852C>T), located in coding exon 33 of the RYR1 gene, results from a C to T substitution at nucleotide position 4852. The arginine at codon 1618 is replaced by cysteine, an amino acid with highly dissimilar properties. This amino acid position is conserved. In addition, this alteration is predicted to be deleterious by in silico analysis. Based on the available evidence, the clinical significance of this variant remains unclear.

Color Diagnostics, LLC DBA Color Health
Classification: Uncertain significance for Malignant hyperthermia, susceptibility to, 1. Last evaluated: 2025-12-08. Review status: criteria provided, single submitter. Criteria: ACMG Guidelines, 2015. Collection method: clinical testing. Allele origin: germline.
Comment: This missense variant replaces arginine with cysteine at codon 1618 of the RYR1 protein. Computational prediction suggests that this variant may have deleterious impact on protein structure and function. To our knowledge, functional studies have not been reported for this variant. This variant has not been reported in individuals affected with RYR1-related disorders in the literature. This variant has been identified in 5/219586 chromosomes in the general population by the Genome Aggregation Database (gnomAD). The available evidence is insufficient to determine the role of this variant in disease conclusively. Therefore, this variant is classified as a Variant of Uncertain Significance.

GeneDx
Classification: Uncertain significance. Last evaluated: 2025-08-05. Review status: criteria provided, single submitter. Criteria: GeneDx Variant Classification Process June 2021. Collection method: clinical testing. Allele origin: germline. Affected: yes.
Comment: Not observed at significant frequency in large population cohorts (gnomAD); In silico analysis supports that this missense variant has a deleterious effect on protein structure/function; In silico analysis suggests this variant may impact gene splicing. In the absence of RNA/functional studies, the actual effect of this sequence change is unknown.; Has not been previously published as pathogenic or benign to our knowledge

Labcorp Genetics (formerly Invitae), Labcorp
Classification: Uncertain significance for RYR1-related disorder. Last evaluated: 2025-03-18. Review status: criteria provided, single submitter. Criteria: Invitae Variant Classification Sherloc (09022015). Collection method: clinical testing. Allele origin: germline.
Comment: This sequence change replaces arginine, which is basic and polar, with cysteine, which is neutral and slightly polar, at codon 1618 of the RYR1 protein (p.Arg1618Cys). The frequency data for this variant in the population databases is considered unreliable, as metrics indicate poor data quality at this position in the gnomAD database. This variant has not been reported in the literature in individuals affected with RYR1-related conditions. ClinVar contains an entry for this variant (Variation ID: 425178). Invitae Evidence Modeling of protein sequence and biophysical properties (such as structural, functional, and spatial information, amino acid conservation, physicochemical variation, residue mobility, and thermodynamic stability) indicates that this missense variant is not expected to disrupt RYR1 protein function with a negative predictive value of 80%. In summary, the available evidence is currently insufficient to determine the role of this variant in disease. Therefore, it has been classified as a Variant of Uncertain Significance.

All of Us Research Program, National Institutes of Health
Classification: Uncertain significance for Malignant hyperthermia, susceptibility to, 1. Last evaluated: 2024-06-09. Review status: criteria provided, single submitter. Criteria: ACMG Guidelines, 2015. Collection method: clinical testing. Allele origin: germline. Inheritance: Autosomal dominant inheritance. Observed: 12 variant alleles, 12 heterozygotes.
Comment: This missense variant replaces arginine with cysteine at codon 1618 of the RYR1 protein. Computational prediction suggests that this variant may have deleterious impact on protein structure and function (internally defined REVEL score threshold >= 0.7, PMID: 27666373). To our knowledge, functional studies have not been reported for this variant. This variant has not been reported in individuals affected with RYR1-related disorders in the literature. This variant has been identified in 5/219586 chromosomes in the general population by the Genome Aggregation Database (gnomAD). The available evidence is insufficient to determine the role of this variant in disease conclusively. Therefore, this variant is classified as a Variant of Uncertain Significance.

This study involves interpretation of variants in research participants for the purpose of population health screening. Participant phenotype was not available at the time of variant classification. Additional details can be found in publication PMID: 35346344, PMCID: PMC8962531

Blueprint Genetics
Classification: Uncertain significance. Last evaluated: 2022-01-11. Review status: criteria provided, single submitter. Criteria: ACMG Guidelines, 2015. Collection method: clinical testing. Allele origin: germline.

CeGaT Center for Human Genetics Tuebingen
Classification: Uncertain significance. Last evaluated: 2016-09-01. Review status: criteria provided, single submitter. Criteria: CeGaT Center For Human Genetics Tuebingen Variant Classification Criteria Version 2. Collection method: clinical testing. Allele origin: germline. Affected: yes. Observed: 1 variant allele.

NM_000540.3(RYR1):c.4852C>T (p.Arg1618Cys)

Gene: RYR1 (ryanodine receptor 1; plus strand). Cytogenetic location: 19q13.2.
Variant type: single nucleotide variant.
Coding change: c.4852C>T on transcript NM_000540.3 (MANE Select); coding-DNA position 4852, C replaced by T.
Protein change: p.Arg1618Cys; replaces arginine 1618 with cysteine.
Molecular consequence: missense variant.
Genome position (GRCh38, 1-based): chr19:38,483,434, C>T. VCF-style: chr19-38483434-C-T. GRCh37 (hg19) VCF-style: chr19-38974074-C-T.
Other names: c.4852C>T, p.Arg1618Cys (NM_001042723.2); short protein forms R1618C.
Identifiers: ClinVar variation 425178 (VCV000425178.52), dbSNP rs924891897, ClinGen allele CA16621734.